The following is an entry in ClinVar:

ClinVar aggregate classification (germline): Pathogenic (1 of 4 stars; one submission).

Submission:

Labcorp Genetics (formerly Invitae), Labcorp
Classification: Pathogenic. Last evaluated: 2023-07-13. Review status: criteria provided, single submitter. Criteria: Invitae Variant Classification Sherloc (09022015). Collection method: clinical testing. Allele origin: germline.
Comment: This variant is not present in population databases (gnomAD no frequency). For these reasons, this variant has been classified as Pathogenic. This variant disrupts a region of the NDUFS6 protein in which other variant(s) (p.Cys115Arg) have been determined to be pathogenic (PMID: 28429146, 30948790, 31967322). This suggests that this is a clinically significant region of the protein, and that variants that disrupt it are likely to be disease-causing. This variant has not been reported in the literature in individuals affected with NDUFS6-related conditions. This sequence change results in a frameshift in the NDUFS6 gene (p.Glu106Aspfs*32). While this is not anticipated to result in nonsense mediated decay, it is expected to disrupt the last 19 amino acid(s) of the NDUFS6 protein and extend the protein by 12 additional amino acid residues.

Literature cited by the submitters: PubMed 28429146; PubMed 30948790; PubMed 31967322.

NM_004553.6(NDUFS6):c.318_319del (p.Glu106fs)

Gene: NDUFS6 (NADH:ubiquinone oxidoreductase subunit S6; plus strand). Cytogenetic location: 5p15.33.
Variant type: Deletion.
Coding change: c.318_319del on transcript NM_004553.6 (MANE Select); coding-DNA positions 318 to 319, 2 bases deleted (AA; older notation c.318_319delAA).
Protein change: p.Glu106fs; shifts the reading frame from glutamic acid 106.
Molecular consequence: frameshift variant.
Genome position (GRCh38, 1-based): chr5:1,815,859-1,815,860, AA deleted; deleting any 2 consecutive bases within chr5:1,815,858-1,815,860 gives the same sequence; the c. name uses the placement nearest the transcript's 3' end. VCF-style (leftmost placement, unchanged base first): chr5-1815857-GAA-G. GRCh37 (hg19) VCF-style: chr5-1815971-GAA-G.
Other names: short protein forms E106fs.
Identifiers: ClinVar variation 2796111 (VCV002796111.3), dbSNP rs2477243678, ClinGen allele CA2739274530.